The following is an entry in ClinVar:

ClinVar aggregate classification (germline): Conflicting classifications of pathogenicity. Review status: criteria provided, conflicting classifications (1 of 4 stars). 7 submissions from 7 submitters: Uncertain significance (6); Likely benign (1). Last evaluated 2025-07-14.

Conditions:
Hereditary cancer-predisposing syndrome. Also called: Hereditary neoplastic syndrome; Tumor predisposition; Neoplastic Syndromes, Hereditary; Hereditary Cancer Syndrome. Identifiers: Orphanet 140162, MedGen C0027672, MeSH D009386, MONDO:0015356.
Familial cancer of breast. Also called: Hereditary breast cancer; BREAST CANCER, FAMILIAL; hereditary breast carcinoma. Identifiers: Orphanet 227535, MedGen C0346153, MONDO:0016419, OMIM 114480. Disease mechanism: loss of function.

Allele frequency attached by ClinVar (database versions not stated): gnomAD exomes below 0.00001; TOPMed below 0.00001; gnomAD 0.00002.
gnomAD v4.1: 8 of 1,614,042 alleles (0.0005%); highest among the groups gnomAD compares: Non-Finnish European, 0.00068%; no homozygotes.

Submissions (7):

Labcorp Genetics (formerly Invitae), Labcorp
Classification: Uncertain significance for Familial cancer of breast. Last evaluated: 2025-07-14. Review status: criteria provided, single submitter. Criteria: Invitae Variant Classification Sherloc (09022015). Collection method: clinical testing. Allele origin: germline.
Comment: This sequence change replaces aspartic acid, which is acidic and polar, with tyrosine, which is neutral and polar, at codon 997 of the PALB2 protein (p.Asp997Tyr). This variant is not present in population databases (gnomAD no frequency). This missense change has been observed in individual(s) with breast cancer (PMID: 30306255). ClinVar contains an entry for this variant (Variation ID: 530176). Invitae Evidence Modeling of protein sequence and biophysical properties (such as structural, functional, and spatial information, amino acid conservation, physicochemical variation, residue mobility, and thermodynamic stability) indicates that this missense variant is expected to disrupt PALB2 protein function with a positive predictive value of 80%. In summary, the available evidence is currently insufficient to determine the role of this variant in disease. Therefore, it has been classified as a Variant of Uncertain Significance.

Ambry Genetics
Classification: Likely benign for Hereditary cancer-predisposing syndrome. Last evaluated: 2024-04-01. Review status: criteria provided, single submitter. Criteria: Ambry Variant Classification Scheme 2023. Collection method: clinical testing. Allele origin: germline.

Baylor Genetics
Classification: Uncertain significance for Familial cancer of breast. Last evaluated: 2023-11-23. Review status: criteria provided, single submitter. Criteria: ACMG Guidelines, 2015. Collection method: clinical testing. Allele origin: unknown.

Blueprint Genetics
Classification: Uncertain significance. Last evaluated: 2023-10-02. Review status: criteria provided, single submitter. Criteria: ACMG Guidelines, 2015. Collection method: clinical testing. Allele origin: germline.

GeneDx
Classification: Uncertain significance. Last evaluated: 2023-08-29. Review status: criteria provided, single submitter. Criteria: GeneDx Variant Classification Process June 2021. Collection method: clinical testing. Allele origin: germline. Affected: yes.
Comment: Not observed at significant frequency in large population cohorts (gnomAD); In silico analysis supports that this missense variant has a deleterious effect on protein structure/function; This variant is associated with the following publications: (PMID: 30306255, 24485656, 19609323, 20871615, 33471991)

Women's Health and Genetics/Laboratory Corporation of America, LabCorp
Classification: Uncertain significance. Last evaluated: 2019-03-22. Review status: criteria provided, single submitter. Criteria: LabCorp Variant Classification Summary - May 2015. Collection method: clinical testing. Allele origin: germline.
Comment: Variant summary: PALB2 c.2989G>T (p.Asp997Tyr) results in a non-conservative amino acid change located in the Partner and localiser of BRCA2, WD40 domain of the encoded protein sequence. Four of five in-silico tools predict a damaging effect of the variant on protein function. The variant was absent in 277202 control chromosomes (gnomAD). The available data on variant occurrences in the general population are insufficient to allow any conclusion about variant significance. c.2989G>T has been reported in the literature in an individual affected with Hereditary Breast and Ovarian Cancer, who had a strong family history of cancer (Bonache_2018). The individual also carried two additional potentially pathogenic variants, BARD1 c.580_581del, p.(Arg194GlyfsX2) and PMS2 c.989-2A>G, providing supporting evidence for a benign role. To our knowledge, no experimental evidence demonstrating an impact on protein function has been reported. A ClinVar submission from a clinical diagnostic laboratory (evaluation after 2014) cites the variant as uncertain significance. Based on the evidence outlined above, the variant was classified as VUS - possibly benign.

Color Diagnostics, LLC DBA Color Health
Classification: Uncertain significance for Hereditary cancer-predisposing syndrome. Last evaluated: 2018-10-18. Review status: criteria provided, single submitter. Criteria: ACMG Guidelines, 2015. Collection method: clinical testing. Allele origin: germline.

Literature cited by the submitters: PubMed 30306255 (cited by Labcorp Genetics (formerly Invitae), Labcorp and Ambry Genetics); PubMed 32546565 (cited by Ambry Genetics); PubMed 33471991 (cited by Ambry Genetics); PubMed 35884425 (cited by Ambry Genetics).

NM_024675.4(PALB2):c.2989G>T (p.Asp997Tyr)

Gene: PALB2 (partner and localizer of BRCA2; minus strand). Cytogenetic location: 16p12.2.
Variant type: single nucleotide variant.
Coding change: c.2989G>T on transcript NM_024675.4 (MANE Select); coding-DNA position 2989, G replaced by T.
Protein change: p.Asp997Tyr; replaces aspartic acid 997 with tyrosine.
Molecular consequence: missense variant.
Genome position (GRCh38, 1-based): chr16:23,622,976, C>A on the plus strand (G>T on the coding strand, the complement: PALB2 is on the minus strand). VCF-style: chr16-23622976-C-A. GRCh37 (hg19) VCF-style: chr16-23634297-C-A.
Other names: short protein forms D997Y.
Identifiers: ClinVar variation 530176 (VCV000530176.21), dbSNP rs1555459513, ClinGen allele CA395143864.